The following is an entry in ClinVar:

ClinVar aggregate classification (germline): Uncertain significance. Review status: criteria provided, multiple submitters, no conflicts (2 of 4 stars). 2 submissions from 2 submitters: Uncertain significance (2). Last evaluated 2023-12-16.

Conditions:
Idiopathic generalized epilepsy. Also called: EIG; Generalised epilepsy. Identifiers: MedGen C0270850, MONDO:0005579, OMIM 600669.
Inborn genetic diseases. Identifiers: MedGen C0950123, MeSH D030342.

Allele frequency attached by ClinVar (database versions not stated): gnomAD 0.00001; gnomAD exomes 0.00001 and 0.00002; ExAC 0.00002.
gnomAD v4.1: 17 of 1,612,824 alleles (0.0011%); highest among the groups gnomAD compares: Non-Finnish European, 0.0014%; no homozygotes.

Submissions (2):

Ambry Genetics
Classification: Uncertain significance for Inborn genetic diseases. Last evaluated: 2023-12-16. Review status: criteria provided, single submitter. Criteria: Ambry Variant Classification Scheme 2023. Collection method: clinical testing. Allele origin: germline.

Labcorp Genetics (formerly Invitae), Labcorp
Classification: Uncertain significance for Idiopathic generalized epilepsy. Last evaluated: 2021-10-10. Review status: criteria provided, single submitter. Criteria: Invitae Variant Classification Sherloc (09022015). Collection method: clinical testing. Allele origin: germline.
Comment: This sequence change replaces asparagine with aspartic acid at codon 82 of the GABRD protein (p.Asn82Asp). The asparagine residue is highly conserved and there is a small physicochemical difference between asparagine and aspartic acid. This variant is present in population databases (rs770620492, ExAC 0.003%). This variant has not been reported in the literature in individuals affected with GABRD-related conditions. Algorithms developed to predict the effect of missense changes on protein structure and function are either unavailable or do not agree on the potential impact of this missense change (SIFT: "Deleterious"; PolyPhen-2: "Probably Damaging"; Align-GVGD: "Class C0"). In summary, the available evidence is currently insufficient to determine the role of this variant in disease. Therefore, it has been classified as a Variant of Uncertain Significance.

NM_000815.5(GABRD):c.244A>G (p.Asn82Asp)

Gene: GABRD (gamma-aminobutyric acid type A receptor subunit delta; plus strand). Cytogenetic location: 1p36.33.
Variant type: single nucleotide variant.
Coding change: c.244A>G on transcript NM_000815.5 (MANE Select); coding-DNA position 244, A replaced by G.
Protein change: p.Asn82Asp; replaces asparagine 82 with aspartic acid.
Molecular consequence: missense variant.
Genome position (GRCh38, 1-based): chr1:2,025,396, A>G. VCF-style: chr1-2025396-A-G. GRCh37 (hg19) VCF-style: chr1-1956835-A-G.
Other names: c.244A>G (NM_000815.4); short protein forms N82D.
Identifiers: ClinVar variation 1432604 (VCV001432604.7), dbSNP rs770620492, ClinGen allele CA534575.